The following is an entry in ClinVar:

ClinVar aggregate classification (germline): Pathogenic/Likely pathogenic. Review status: criteria provided, multiple submitters, no conflicts (2 of 4 stars). 3 submissions from 3 submitters: Pathogenic (1); Likely pathogenic (2). Last evaluated 2025-02-25.

Conditions:
Progressive pseudorheumatoid dysplasia (PPRD). Also called: SPONDYLOEPIPHYSEAL DYSPLASIA TARDA WITH PROGRESSIVE ARTHROPATHY; Progressive Pseudorheumatoid Arthropathy of Childhood. Identifiers: Orphanet 1159, MedGen C0432215, MONDO:0008827, OMIM 208230. Disease mechanism: loss of function.

Allele frequency attached by ClinVar (database versions not stated): gnomAD 0.00001; gnomAD exomes 0.00001; ExAC 0.00002.

Submissions (3):

Foundation for Research in Genetics and Endocrinology, FRIGE's Institute of Human Genetics
Classification: Pathogenic for Progressive pseudorheumatoid dysplasia. Last evaluated: 2025-02-25. Review status: criteria provided, single submitter. Criteria: ACMG Guidelines, 2015. Collection method: clinical testing. Allele origin: germline. Inheritance: Autosomal recessive inheritance. Affected: yes. Observed: 1 homozygote.
Comment: A homozygous missense variant in intron 1 of the CCN6. The observed variant c.49-1G>A (p.?) has a minor allele frequency of 0.012% and 0.009% in the ExAC and gnomAD databases, respectively. The in-silico prediction of the variant are possibly damaging by FATHMM, DANN, CADD and MutationTaster2. The reference codon is conserved across species. In summary, the variant meets our criteria to be classified as pathogenic.

Labcorp Genetics (formerly Invitae), Labcorp
Classification: Likely pathogenic. Last evaluated: 2023-10-29. Review status: criteria provided, single submitter. Criteria: Invitae Variant Classification Sherloc (09022015). Collection method: clinical testing. Allele origin: germline.
Comment: This sequence change affects an acceptor splice site in intron 2 of the WISP3 gene. It is expected to disrupt RNA splicing. Variants that disrupt the donor or acceptor splice site typically lead to a loss of protein function (PMID: 16199547), and loss-of-function variants in WISP3 are known to be pathogenic (PMID: 22791401). This variant is present in population databases (rs781864926, gnomAD 0.01%). Disruption of this splice site has been observed in individual(s) with progressive pseudorheumatoid dysplasia (PMID: 25988854). Algorithms developed to predict the effect of sequence changes on RNA splicing suggest that this variant may disrupt the consensus splice site. In summary, the currently available evidence indicates that the variant is pathogenic, but additional data are needed to prove that conclusively. Therefore, this variant has been classified as Likely Pathogenic.

Neuberg Centre For Genomic Medicine, NCGM
Classification: Likely pathogenic for Progressive pseudorheumatoid dysplasia. Last evaluated: 2023-07-22. Review status: criteria provided, single submitter. Criteria: ACMG Guidelines, 2015. Collection method: clinical testing. Allele origin: germline. Inheritance: Autosomal recessive inheritance. Affected: yes.
Comment: The invariant splice acceptor c.49-1G>A in CCN6 gene has not been reported previously as a pathogenic variant nor as a benign variant, to our knowledge. The c.49-1G>A variant has allele frequency 0.001% in gnomAD Exomes. This variant has not been submitted to the ClinVar database. SpliceAI predicts this variant to cause splice acceptor gain score-0.06. Loss of function variants have been previously reported to be disease causing. Functional studies are required to prove the pathogenicity for the variant, For these reasons, this variant has been classified as Likely Pathogenic.

Literature cited by the submitters: PubMed 16199547 (cited by Labcorp Genetics (formerly Invitae), Labcorp); PubMed 22791401 (cited by Labcorp Genetics (formerly Invitae), Labcorp); PubMed 25988854 (cited by Labcorp Genetics (formerly Invitae), Labcorp).

NM_198239.2(CCN6):c.49-1G>A

Gene: CCN6 (cellular communication network factor 6; plus strand). Cytogenetic location: 6q21.
Variant type: single nucleotide variant.
Coding change: c.49-1G>A on transcript NM_198239.2 (MANE Select); the canonical splice acceptor site of the intron before coding-DNA position 49, G replaced by A.
Molecular consequence: splice acceptor variant.
Genome position (GRCh38, 1-based): chr6:112,060,990, G>A. VCF-style: chr6-112060990-G-A. GRCh37 (hg19) VCF-style: chr6-112382193-G-A.
Other names: (p.?); c.49-1G>A (NM_003880.4).
Identifiers: ClinVar variation 2734926 (VCV002734926.5), dbSNP rs781864926, ClinGen allele CA3963899.